The following is an entry in ClinVar:

ClinVar aggregate classification (germline): Uncertain significance. Review status: criteria provided, multiple submitters, no conflicts (2 of 4 stars). 4 submissions from 4 submitters: Uncertain significance (4). Last evaluated 2025-06-30.

Conditions:
Autosomal recessive nonsyndromic hearing loss 9. Also called: Deafness, autosomal recessive 9; OTOF-Related Hearing Loss; NEUROSENSORY NONSYNDROMIC RECESSIVE DEAFNESS 9; AUDITORY NEUROPATHY, AUTOSOMAL RECESSIVE, 1, TEMPERATURE-SENSITIVE. Identifiers: Orphanet 90636, MedGen C1832828, MONDO:0010986, OMIM 601071.

Allele frequency attached by ClinVar (database versions not stated): ESP Exome Variant Server 0.00008; gnomAD 0.00010 and 0.00011; TOPMed 0.00011; ExAC 0.00012; gnomAD exomes 0.00012.
gnomAD v4.1: 193 of 1,613,074 alleles (0.012%); highest among the groups gnomAD compares: Middle Eastern, 0.016%; no homozygotes.

Submissions (4):

GeneDx
Classification: Uncertain significance. Last evaluated: 2025-06-30. Review status: criteria provided, single submitter. Criteria: GeneDx Variant Classification Process June 2021. Collection method: clinical testing. Allele origin: germline. Affected: yes.
Comment: In silico analysis supports that this missense variant has a deleterious effect on protein structure/function; Has not been previously published as pathogenic or benign to our knowledge

Blueprint Genetics
Classification: Uncertain significance. Last evaluated: 2024-10-24. Review status: criteria provided, single submitter. Criteria: ACMG Guidelines, 2015. Collection method: clinical testing. Allele origin: germline.

Labcorp Genetics (formerly Invitae), Labcorp
Classification: Uncertain significance. Last evaluated: 2022-08-16. Review status: criteria provided, single submitter. Criteria: Invitae Variant Classification Sherloc (09022015). Collection method: clinical testing. Allele origin: germline.
Comment: This sequence change replaces glycine, which is neutral and non-polar, with arginine, which is basic and polar, at codon 524 of the OTOF protein (p.Gly524Arg). This variant is present in population databases (rs146739635, gnomAD 0.02%). This variant has not been reported in the literature in individuals affected with OTOF-related conditions. ClinVar contains an entry for this variant (Variation ID: 335451). Algorithms developed to predict the effect of missense changes on protein structure and function are either unavailable or do not agree on the potential impact of this missense change (SIFT: "Deleterious"; PolyPhen-2: "Probably Damaging"; Align-GVGD: "Class C15"). Algorithms developed to predict the effect of sequence changes on RNA splicing suggest that this variant may create or strengthen a splice site. In summary, the available evidence is currently insufficient to determine the role of this variant in disease. Therefore, it has been classified as a Variant of Uncertain Significance.

Illumina Laboratory Services, Illumina
Classification: Uncertain significance for Autosomal recessive nonsyndromic hearing loss 9. Last evaluated: 2018-01-13. Review status: criteria provided, single submitter. Criteria: ICSL Variant Classification Criteria 13 December 2019. Collection method: clinical testing. Allele origin: germline.

NM_194248.3(OTOF):c.1570G>A (p.Gly524Arg)

Gene: OTOF (otoferlin; minus strand). Cytogenetic location: 2p23.3.
Variant type: single nucleotide variant.
Coding change: c.1570G>A on transcript NM_194248.3 (MANE Select); coding-DNA position 1570, G replaced by A.
Protein change: p.Gly524Arg; replaces glycine 524 with arginine.
Molecular consequence: missense variant.
Genome position (GRCh38, 1-based): chr2:26,482,415, C>T on the plus strand (G>A on the coding strand, the complement: OTOF is on the minus strand). VCF-style: chr2-26482415-C-T. GRCh37 (hg19) VCF-style: chr2-26705283-C-T.
Other names: c.1570G>A, p.Gly524Arg (NM_001287489.2); short protein forms G524R.
Identifiers: ClinVar variation 335451 (VCV000335451.12), dbSNP rs146739635, ClinGen allele CA1564240.